The following is an entry in ClinVar:

NM_002647.4(PIK3C3):c.2516_2517del (p.Val839fs)

Gene: PIK3C3 (phosphatidylinositol 3-kinase catalytic subunit type 3; plus strand). Cytogenetic location: 18q12.3.
Variant type: Microsatellite.
Coding change: c.2516_2517del on transcript NM_002647.4 (MANE Select); coding-DNA positions 2516 to 2517, 2 bases deleted (TG; older notation c.2516_2517delTG).
Protein change: p.Val839fs; shifts the reading frame from valine 839.
Molecular consequence: frameshift variant.
Genome position (GRCh38, 1-based): chr18:42,064,823-42,064,824, TG deleted; deleting any 2 consecutive bases within chr18:42,064,821-42,064,824 gives the same sequence; the c. name uses the placement nearest the transcript's 3' end. VCF-style (leftmost placement, unchanged base first): chr18-42064820-CTG-C. GRCh37 (hg19) VCF-style: chr18-39644784-CTG-C.
Other names: c.2327_2328del, p.Val776fs (NM_001308020.2); short protein forms V776fs, V839fs.
Identifiers: ClinVar variation 2648686 (VCV002648686.24), dbSNP rs750435412, ClinGen allele CA8944732.

ClinVar aggregate classification (germline): Uncertain significance (1 of 4 stars; one submission).

Submission:

CeGaT Center for Human Genetics Tuebingen
Classification: Uncertain significance. Last evaluated: 2022-06-01. Review status: criteria provided, single submitter. Criteria: CeGaT Center For Human Genetics Tuebingen Variant Classification Criteria Version 2. Collection method: clinical testing. Allele origin: germline. Affected: yes. Observed: 1 variant allele.
Comment: PIK3C3: PM2